The following is an entry in ClinVar:

NM_001164508.2(NEB):c.904A>G (p.Met302Val)

Gene: NEB (nebulin; minus strand). Cytogenetic location: 2q23.3.
Variant type: single nucleotide variant.
Coding change: c.904A>G on transcript NM_001164508.2 (MANE Select); coding-DNA position 904, A replaced by G.
Protein change: p.Met302Val; replaces methionine 302 with valine.
Molecular consequence: missense variant.
Genome position (GRCh38, 1-based): chr2:151,710,457, T>C on the plus strand (A>G on the coding strand, the complement: NEB is on the minus strand). VCF-style: chr2-151710457-T-C. GRCh37 (hg19) VCF-style: chr2-152566971-T-C.
Other names: c.904A>G, p.Met302Val (NM_001164507.2, NM_001271208.2, NM_004543.5); c.904A>G (NM_004543.4); short protein forms M302V.
Identifiers: ClinVar variation 841554 (VCV000841554.7), dbSNP rs755508128, ClinGen allele CA1911745.

ClinVar aggregate classification (germline): Uncertain significance. Review status: criteria provided, multiple submitters, no conflicts (2 of 4 stars). 2 submissions from 2 submitters: Uncertain significance (2). Last evaluated 2025-12-16.

Conditions:
Inborn genetic diseases. Identifiers: MedGen C0950123, MeSH D030342.
Nemaline myopathy 2 (NEM2). Also called: Nemaline myopathy 2, autosomal recessive. Identifiers: MedGen C1850569, MONDO:0009725, OMIM 256030.
Nemaline myopathy. Also called: Myopathies, Nemaline. Identifiers: Orphanet 607, MedGen C0206157, MONDO:0018958.

Allele frequency attached by ClinVar (database versions not stated): gnomAD exomes below 0.00001; ExAC 0.00001; TOPMed 0.00002.
gnomAD v4.1: 5 of 1,612,280 alleles (0.00031%); highest among the groups gnomAD compares: East Asian, 0.0022%; no homozygotes.

Submissions (2):

Ambry Genetics
Classification: Uncertain significance for Inborn genetic diseases. Last evaluated: 2025-12-16. Review status: criteria provided, single submitter. Criteria: Ambry Variant Classification Scheme 2023. Collection method: clinical testing. Allele origin: germline.

Labcorp Genetics (formerly Invitae), Labcorp
Classification: Uncertain significance for Nemaline myopathy 2. Last evaluated: 2022-07-26. Review status: criteria provided, single submitter. Criteria: Invitae Variant Classification Sherloc (09022015). Collection method: clinical testing. Allele origin: germline.
Comment: This sequence change replaces methionine, which is neutral and non-polar, with valine, which is neutral and non-polar, at codon 302 of the NEB protein (p.Met302Val). This variant is present in population databases (rs755508128, gnomAD 0.0009%). This variant has not been reported in the literature in individuals affected with NEB-related conditions. ClinVar contains an entry for this variant (Variation ID: 841554). Algorithms developed to predict the effect of missense changes on protein structure and function are either unavailable or do not agree on the potential impact of this missense change (SIFT: "Deleterious"; PolyPhen-2: "Not Available"; Align-GVGD: "Class C0"). In summary, the available evidence is currently insufficient to determine the role of this variant in disease. Therefore, it has been classified as a Variant of Uncertain Significance.